The following is an entry in ClinVar:

NM_001330074.2(WASHC2C):c.883G>A (p.Ala295Thr)

Gene: WASHC2C (WASH complex subunit 2C; plus strand). Cytogenetic location: 10q11.22.
Variant type: single nucleotide variant.
Coding change: c.883G>A on transcript NM_001330074.2 (MANE Select); coding-DNA position 883, G replaced by A.
Protein change: p.Ala295Thr; replaces alanine 295 with threonine.
Molecular consequence: missense variant. On other transcripts: 5 prime UTR variant (1), non-coding transcript variant (1).
Genome position (GRCh38, 1-based): chr10:45,750,790, G>A. VCF-style: chr10-45750790-G-A. GRCh37 (hg19) VCF-style: chr10-46246238-G-A.
Other names: c.883G>A, p.Ala295Thr (NM_001169106.2, NM_001169107.2, NM_001367394.1 and 10 more transcripts); c.877G>A, p.Ala293Thr (NM_001367393.1); c.304G>A, p.Ala102Thr (NM_001367398.1, NM_001367402.1, NM_001367405.1 and 3 more transcripts); c.619G>A, p.Ala207Thr (NM_001367399.1, NM_001367410.1); c.724G>A, p.Ala242Thr (NM_001367404.1); c.-838G>A (NM_001367406.1); c.622G>A, p.Ala208Thr (NM_001367409.1, NM_001367411.1, NM_001367413.1); short protein forms A102T, A207T, A208T, A242T, A293T, A295T.
Identifiers: ClinVar variation 2640426 (VCV002640426.24), dbSNP rs201469599, ClinGen allele CA5482696.
Genomic context (GRCh38, chr10:45,750,790, plus strand): 5'-TTTTGATTTCTCCTGCTGTAGAAAAGAAGCAGACCTACATCGTTTGCAGATGAGCTGGCT[G>A]CCCGCATCAAGGGGGATGCCATGGGTCGAGTGGACGAGGAGCCGACAAGTGAGCCCCAGC-3'
Protein context (NP_001317003.1, residues 285-305): RPTSFADELA[Ala295Thr]RIKGDAMGRV

ClinVar aggregate classification (germline): Likely benign (1 of 4 stars; one submission).

Allele frequency attached by ClinVar (database versions not stated): 1000 Genomes Project 0.00060; 1000 Genomes Project 30x 0.00125; ESP Exome Variant Server 0.00544; gnomAD 0.00612; TOPMed 0.00655; ExAC 0.00674.

Submission:

CeGaT Center for Human Genetics Tuebingen
Classification: Likely benign. Last evaluated: 2025-04-01. Review status: criteria provided, single submitter. Criteria: CeGaT Center For Human Genetics Tuebingen Variant Classification Criteria Version 2. Collection method: clinical testing. Allele origin: germline. Affected: yes. Observed: 4 variant alleles.
Comment: WASHC2C: PP2, BS2